The following is an entry in ClinVar:

ClinVar aggregate classification (germline): Uncertain significance. Review status: criteria provided, multiple submitters, no conflicts (2 of 4 stars). 2 submissions from 2 submitters: Uncertain significance (2). Last evaluated 2023-08-04.

Conditions:
CHARGE syndrome (CHARGE). Also called: Hittner Hirsch Kreh syndrome; Coloboma, heart anomaly, choanal atresia, retardation, genital and ear anomalies; CHARGE association; Hall-Hittner syndrome; CHARGE ASSOCIATION--COLOBOMA, HEART ANOMALY, CHOANAL ATRESIA, RETARDATION, GENITAL AND EAR ANOMALIES. Identifiers: Orphanet 138, MedGen C0265354, MONDO:0008965.

Allele frequency attached by ClinVar (database versions not stated): gnomAD exomes 0.00001; ExAC 0.00002.
gnomAD v4.1: 4 of 1,612,856 alleles (0.00025%); highest among the groups gnomAD compares: Non-Finnish European, 0.00034%; no homozygotes.

Submissions (2):

Labcorp Genetics (formerly Invitae), Labcorp
Classification: Uncertain significance for CHARGE syndrome. Last evaluated: 2023-08-04. Review status: criteria provided, single submitter. Criteria: Invitae Variant Classification Sherloc (09022015). Collection method: clinical testing. Allele origin: germline.
Comment: This sequence change replaces histidine, which is basic and polar, with arginine, which is basic and polar, at codon 50 of the SEMA3E protein (p.His50Arg). This variant is present in population databases (rs777818746, gnomAD 0.002%). This variant has not been reported in the literature in individuals affected with SEMA3E-related conditions. ClinVar contains an entry for this variant (Variation ID: 941607). Algorithms developed to predict the effect of missense changes on protein structure and function output the following: SIFT: "Not Available"; PolyPhen-2: "Benign"; Align-GVGD: "Not Available". The arginine amino acid residue is found in multiple mammalian species, which suggests that this missense change does not adversely affect protein function. In summary, the available evidence is currently insufficient to determine the role of this variant in disease. Therefore, it has been classified as a Variant of Uncertain Significance.

GeneDx
Classification: Uncertain significance. Last evaluated: 2021-04-29. Review status: criteria provided, single submitter. Criteria: GeneDx Variant Classification Process June 2021. Collection method: clinical testing. Allele origin: germline. Affected: yes.
Comment: In silico analysis supports that this missense variant does not alter protein structure/function; Has not been previously published as pathogenic or benign to our knowledge

NM_012431.3(SEMA3E):c.149A>G (p.His50Arg)

Gene: SEMA3E (semaphorin 3E; minus strand). Cytogenetic location: 7q21.11.
Variant type: single nucleotide variant.
Coding change: c.149A>G on transcript NM_012431.3 (MANE Select); coding-DNA position 149, A replaced by G.
Protein change: p.His50Arg; replaces histidine 50 with arginine.
Molecular consequence: missense variant. On other transcripts: 5 prime UTR variant (1).
Genome position (GRCh38, 1-based): chr7:83,490,241, T>C on the plus strand (A>G on the coding strand, the complement: SEMA3E is on the minus strand). VCF-style: chr7-83490241-T-C. GRCh37 (hg19) VCF-style: chr7-83119557-T-C.
Other names: c.-32A>G (NM_001178129.2); short protein forms H50R.
Identifiers: ClinVar variation 941607 (VCV000941607.11), dbSNP rs777818746, ClinGen allele CA4322442.